The following is an entry in ClinVar:

ClinVar aggregate classification (germline): Likely pathogenic (1 of 4 stars; one submission).

Submission:

Mayo Clinic Laboratories, Mayo Clinic
Classification: Likely pathogenic. Last evaluated: 2023-06-13. Review status: criteria provided, single submitter. Criteria: ACMG Guidelines, 2015. Collection method: clinical testing. Allele origin: germline. Observed: 1 variant allele.
Comment: PM2_supporting, PVS1

NM_001365276.2(TNXB):c.1680del (p.Gly562fs)

Gene: TNXB (tenascin XB; minus strand). Cytogenetic location: 6p21.33.
Variant type: Deletion.
Coding change: c.1680del on transcript NM_001365276.2 (MANE Select); coding-DNA position 1680, one base deleted (C; older notation c.1680delC).
Protein change: p.Gly562fs; shifts the reading frame from glycine 562.
Molecular consequence: frameshift variant.
Genome position (GRCh38, 1-based): chr6:32,096,173, G deleted on the plus strand (C on the coding strand, the reverse complement: TNXB is on the minus strand); the first of 4 consecutive G bases (chr6:32,096,173-32,096,176); deleting any one gives the same sequence. VCF-style (leftmost placement, unchanged base first): chr6-32096172-CG-C. GRCh37 (hg19) VCF-style: chr6-32063949-CG-C.
Other names: p.Gly562Alafs*9; c.1680del, p.Gly562fs (NM_019105.8); short protein forms G562fs.
Identifiers: ClinVar variation 2683653 (VCV002683653.1), dbSNP rs1489708596, ClinGen allele CA823934850.